The following is an entry in ClinVar:

ClinVar aggregate classification (germline): Uncertain significance. Review status: criteria provided, multiple submitters, no conflicts (2 of 4 stars). 2 submissions from 2 submitters: Uncertain significance (2). Last evaluated 2025-12-30.

Conditions:
Hereditary cancer-predisposing syndrome. Also called: Neoplastic Syndromes, Hereditary; Hereditary Cancer Syndrome; Tumor predisposition; Hereditary neoplastic syndrome. Identifiers: Orphanet 140162, MedGen C0027672, MeSH D009386, MONDO:0015356.
Ataxia-telangiectasia syndrome (AT). Also called: LOUIS-BAR SYNDROME; Cerebello-oculocutaneous telangiectasia; Immunodeficiency with ataxia telangiectasia; Ataxia-telangiectasia, complementation group D; AT, COMPLEMENTATION GROUP C; Ataxia-telangiectasia, complementation group E. Identifiers: Orphanet 100, MedGen C0004135, MONDO:0008840, OMIM 208900.

Submissions (2):

Ambry Genetics
Classification: Uncertain significance for Hereditary cancer-predisposing syndrome. Last evaluated: 2025-12-30. Review status: criteria provided, single submitter. Criteria: Ambry Variant Classification Scheme 2023. Collection method: clinical testing. Allele origin: germline.
Comment: The p.Q1946H variant (also known as c.5838G>T), located in coding exon 38 of the ATM gene, results from a G to T substitution at nucleotide position 5838. The glutamine at codon 1946 is replaced by histidine, an amino acid with highly similar properties. This amino acid position is highly conserved in available vertebrate species. In addition, the in silico prediction for this alteration is inconclusive. Based on the available evidence, the clinical significance of this variant remains unclear.

Labcorp Genetics (formerly Invitae), Labcorp
Classification: Uncertain significance for Ataxia-telangiectasia syndrome. Last evaluated: 2018-06-06. Review status: criteria provided, single submitter. Criteria: Invitae Variant Classification Sherloc (09022015). Collection method: clinical testing. Allele origin: germline.
Comment: This sequence change replaces glutamine with histidine at codon 1946 of the ATM protein (p.Gln1946His). The glutamine residue is highly conserved and there is a small physicochemical difference between glutamine and histidine. This variant is not present in population databases (ExAC no frequency) and has not been reported in the literature in individuals with a ATM-related disease. Algorithms developed to predict the effect of missense changes on protein structure and function do not agree on the potential impact of this missense change (SIFT: "Deleterious"; PolyPhen-2: "Benign"; Align-GVGD: "Class C15"). In summary, this variant is a novel missense change with uncertain impact on protein function. It has been classified as a Variant of Uncertain Significance.

NM_000051.4(ATM):c.5838G>T (p.Gln1946His)

Genes: C11orf65 (chromosome 11 open reading frame 65; minus strand), ATM (ATM serine/threonine kinase; plus strand). Cytogenetic location: 11q22.3.
Variant type: single nucleotide variant.
Coding change: c.5838G>T on transcript NM_000051.4 (MANE Select); coding-DNA position 5838, G replaced by T.
Protein change: p.Gln1946His; replaces glutamine 1946 with histidine.
Molecular consequence: missense variant. On other transcripts: intron variant (2).
Genome position (GRCh38, 1-based): chr11:108,310,235, G>T. VCF-style: chr11-108310235-G-T. GRCh37 (hg19) VCF-style: chr11-108180962-G-T.
Other names: c.641-1164C>A (NM_001330368.2); c.*39-1164C>A (NM_001351110.2); c.5838G>T, p.Gln1946His (NM_001351834.2); short protein forms Q1946H.
Identifiers: ClinVar variation 407576 (VCV000407576.9), dbSNP rs1060501612, ClinGen allele CA16613389.
Genomic context (GRCh38, chr11:108,310,235, plus strand): 5'-AATTTTTAATGATGCTTTCTGGCTGGATTTAAATTATCTAGAAGTTGCCAAGGTAGCTCA[G>T]TCTTGTGCTGCTCACTTTACAGCTTTACTCTATGCAGAAATCTATGCAGATAAGAAAAGT-3'
Protein context (NP_000042.3, residues 1936-1956): LNYLEVAKVA[Gln1946His]SCAAHFTALL